The following is an entry in ClinVar:

NM_032119.4(ADGRV1):c.12850-4A>G

Gene: ADGRV1 (adhesion G protein-coupled receptor V1; plus strand). Cytogenetic location: 5q14.3.
Variant type: single nucleotide variant.
Coding change: c.12850-4A>G on transcript NM_032119.4 (MANE Select); 4 bases into the intron before coding-DNA position 12850, A replaced by G.
Molecular consequence: intron variant.
Genome position (GRCh38, 1-based): chr5:90,778,861, A>G. VCF-style: chr5-90778861-A-G. GRCh37 (hg19) VCF-style: chr5-90074678-A-G.
Other names: c.12850-4A>G (NM_032119.3).
Identifiers: ClinVar variation 2986527 (VCV002986527.4), dbSNP rs374348637, ClinGen allele CA3341367.

ClinVar aggregate classification (germline): Likely benign. Review status: criteria provided, multiple submitters, no conflicts (2 of 4 stars). 2 submissions from 2 submitters: Likely benign (2). Last evaluated 2026-03-11.

Conditions:
ADGRV1-related disorder. Also called: ADGRV1-related condition; ADGRV1-related disorders.

Allele frequency attached by ClinVar (database versions not stated): TOPMed 0.00002; ExAC 0.00003; ESP Exome Variant Server 0.00008.
gnomAD v4.1: 53 of 1,601,770 alleles (0.0033%); highest among the groups gnomAD compares: East Asian, 0.047%; no homozygotes.

Submissions (2):

PreventionGenetics, part of Exact Sciences
Classification: Likely benign for ADGRV1-related condition. Last evaluated: 2026-03-11. Review status: criteria provided, single submitter. Criteria: ACMG Guidelines, 2015. Collection method: clinical testing. Allele origin: germline.
Comment: This variant is classified as likely benign based on ACMG/AMP sequence variant interpretation guidelines (Richards et al. 2015 PMID: 25741868, with internal and published modifications).

Labcorp Genetics (formerly Invitae), Labcorp
Classification: Likely benign. Last evaluated: 2024-05-11. Review status: criteria provided, single submitter. Criteria: Invitae Variant Classification Sherloc (09022015). Collection method: clinical testing. Allele origin: germline.